The following is an entry in ClinVar:

NM_001171.6(ABCC6):c.3490C>T (p.Arg1164Ter)

Gene: ABCC6 (ATP binding cassette subfamily C member 6; minus strand). Cytogenetic location: 16p13.11.
Variant type: single nucleotide variant.
Coding change: c.3490C>T on transcript NM_001171.6 (MANE Select); coding-DNA position 3490, C replaced by T.
Protein change: p.Arg1164Ter; replaces arginine 1164 with a stop codon.
Molecular consequence: nonsense.
Genome position (GRCh38, 1-based): chr16:16,163,009, G>A on the plus strand (C>T on the coding strand, the complement: ABCC6 is on the minus strand). VCF-style: chr16-16163009-G-A. GRCh37 (hg19) VCF-style: chr16-16256866-G-A.
Other names: c.3148C>T, p.Arg1050Ter (NM_001351800.1); short protein forms R1164*, R1050*.
Identifiers: ClinVar variation 6572 (VCV000006572.29), dbSNP rs72653744, ClinGen allele CA281575.
Genomic context (GRCh38, chr16:16,163,009, plus strand): 5'-ATATGGATGAATTGCAAGGTCTTCTCTGCCCTGGCTCTTCCTACCTGTCAGCCACCAGTC[G>A]CGGGAAACTGATCCTCTGGCTTTCATCTACGCGAGCATTGTTCTGAGCCACAAAGGGGGC-3'

ClinVar aggregate classification (germline): Pathogenic/Likely pathogenic. Review status: criteria provided, multiple submitters, no conflicts (2 of 4 stars). 14 submissions from 14 submitters: Pathogenic (10); Likely pathogenic (1). 3 of the submissions do not count toward it. Last evaluated 2026-01-12.

Conditions:
ABCC6-related disorder. Also called: ABCC6-related condition.
Autosomal recessive ABCC6-related disorders.
Arterial calcification, generalized, of infancy, 2. Identifiers: Orphanet 51608, MedGen C3276161, MONDO:0013768, OMIM 614473.
Autosomal recessive inherited pseudoxanthoma elasticum (PXE). Identifiers: Orphanet 758, MedGen CN032334, MONDO:0009925, OMIM 264800.
Pseudoxanthoma elasticum, forme fruste. Also called: Pseudoxanthoma Elasticum, Incomplete; PSEUDOXANTHOMA ELASTICUM, HETEROZYGOUS. Identifiers: Orphanet 758, MedGen C1867450, MONDO:0008333, OMIM 177850.

Allele frequency attached by ClinVar (database versions not stated): TOPMed 0.00019; gnomAD exomes 0.00017; gnomAD 0.00011 and 0.00012; ExAC 0.00014.
gnomAD v4.1: 357 of 1,614,070 alleles (0.022%); highest among the groups gnomAD compares: East Asian, 0.051%; 1 homozygote.

Submissions (14):

Labcorp Genetics (formerly Invitae), Labcorp
Classification: Pathogenic. Last evaluated: 2026-01-12. Review status: criteria provided, single submitter. Criteria: Invitae Variant Classification Sherloc (09022015). Collection method: clinical testing. Allele origin: germline.
Comment: This sequence change creates a premature translational stop signal (p.Arg1164*) in the ABCC6 gene. It is expected to result in an absent or disrupted protein product. Loss-of-function variants in ABCC6 are known to be pathogenic (PMID: 11536079, 17617515). This variant is present in population databases (rs72653744, gnomAD 0.07%). This premature translational stop signal has been observed in individuals with pseudoxanthoma elasticum (PMID: 11179012, 11439001). It has also been observed to segregate with disease in related individuals. ClinVar contains an entry for this variant (Variation ID: 6572). Algorithms developed to predict the effect of sequence changes on RNA splicing suggest that this variant may disrupt the consensus splice site. For these reasons, this variant has been classified as Pathogenic.

Variantyx, Inc.
Classification: Pathogenic for autosomal recessive ABCC6-related disorders. Last evaluated: 2025-06-04. Review status: criteria provided, single submitter. Criteria: Variantyx Assertion Criteria 2022. Collection method: clinical testing. Allele origin: germline. Inheritance: Autosomal recessive inheritance. Affected: no.
Comment: This is a nonsense variant in the ABCC6 gene (OMIM: 603234). Pathogenic variants in this gene have been associated with autosomal dominant and autosomal recessive ABCC6-related disorders. This variant introduces a premature termination codon in exon 24 out of 31 and is expected to result in loss of function, which is a known disease mechanism for ABCC6 in these disorders (PMID: 19929409, 28102862) (PVS1). This variant has been reported in the homozygous or compound heterozygous state in many unrelated affected individuals (PMID: 34906475, 34205333) (PM3). It has a 0.0513% maximum allele frequency in non-founder control populations (PM2). Based on the current evidence, this variant is classified as pathogenic for autosomal recessive pseudoxanthoma elasticum.

Revvity Omics, Revvity
Classification: Pathogenic. Last evaluated: 2025-03-20. Review status: criteria provided, single submitter. Criteria: ACMG Guidelines, 2015. Collection method: clinical testing. Allele origin: germline.

SingHealth Duke-NUS Institute of Precision Medicine
Classification: Likely pathogenic for Autosomal recessive inherited pseudoxanthoma elasticum. Last evaluated: 2025-02-05. Review status: criteria provided, single submitter. Criteria: PRISM ACMG Classification Criteria. Collection method: clinical testing. Allele origin: germline. Affected: yes.
Comment: Variant is predicted to cause nonsense-mediated decay in a gene where LOF is a known cause of pathogenicity (PVS1). Homozygous allele count in gnomAD exomes and genomes are less than 2 (PM2)

Blueprint Genetics
Classification: Pathogenic for ABCC6-related disorders. Last evaluated: 2024-09-05. Review status: criteria provided, single submitter. Criteria: ACMG Guidelines, 2015. Collection method: clinical testing. Allele origin: germline. Affected: yes. Observed: 5 variant alleles.

GeneDx
Classification: Pathogenic. Last evaluated: 2023-05-09. Review status: criteria provided, single submitter. Criteria: GeneDx Variant Classification Process June 2021. Collection method: clinical testing. Allele origin: germline. Affected: yes.
Comment: Reported in the heterozygous state in three patients with pseudoxanthoma elasticum from two families, although a second ABCC6 variant was not identified in these cases (Meloni et al., 2001; Chassaing et al., 2004); Nonsense variant predicted to result in protein truncation or nonsense mediated decay in a gene for which loss-of-function is a known mechanism of disease; This variant is associated with the following publications: (PMID: 1179012, 25525159, 28696355, 34205333, 34906475, 33879512, 31980526, 17617515, 11179012, 30056620, 29948180, 31269855, 30879837, 15086542, 28186352, 11439001, 10954200, 29480367, 31589614, 31345219)

Laboratorio de Genetica e Diagnostico Molecular, Hospital Israelita Albert Einstein
Classification: Pathogenic. Last evaluated: 2021-09-03. Review status: criteria provided, single submitter. Criteria: ACMG Guidelines, 2015. Collection method: clinical testing. Allele origin: germline. Affected: yes.
Comment: ACMG classification criteria: PVS1, PS4, PM2, PM3

Fulgent Genetics
Classification: Pathogenic for Pseudoxanthoma elasticum, forme fruste; Autosomal recessive inherited pseudoxanthoma elasticum; Arterial calcification, generalized, of infancy, 2. Last evaluated: 2021-06-30. Review status: criteria provided, single submitter. Criteria: ACMG Guidelines, 2015. Collection method: clinical testing. Allele origin: unknown.
Comment: This variant has been detected in individual(s) who were sent for testing of Renasight - kidney gene panel.

Laboratory for Molecular Medicine, Mass General Brigham Personalized Medicine
Classification: Pathogenic for Pseudoxanthoma elasticum. Last evaluated: 2015-03-11. Review status: criteria provided, single submitter. Criteria: LMM Criteria. Collection method: clinical testing. Allele origin: germline. Inheritance: Autosomal recessive inheritance. Observed: 1 variant allele.
Comment: The p.Arg1164X variant in ABCC6 has been previously reported in the homozygous s tate in one family with Pseudoxanthoma Elasticum (PXE; Struk 2000) and in 2 hete rozygous individuals with PXE in which another variant was not identified (Melon i 2001, Chassaing 2004). This variant has also been identified in 0.05% (4/8652 ) East Asian chromosomes by the Exome Aggregation Consortium (dbSNP rs72653744). Although this variant has been seen in the gen eral population, its frequency is low enough to be consistent with a recessive c arrier frequency. This nonsense variant leads to a premature termination codon a t position 1164, which is predicted to lead to a truncated or absent protein. Co mplete loss of ABCC6 function is an established disease mechanism for PXE. In su mmary, this variant meets our criteria to be classified as pathogenic for PXE in an autosomal recessive manner.

Institute for Medical Genetics and Human Genetics, Charité - Universitätsmedizin Berlin
Classification: Pathogenic. Review status: criteria provided, single submitter. Criteria: ACMG Guidelines, 2015. Collection method: not provided. Allele origin: germline. Inheritance: Autosomal dominant inheritance. Affected: yes.

Juno Genomics, Hangzhou Juno Genomics, Inc
Classification: Pathogenic for Autosomal recessive inherited pseudoxanthoma elasticum; Arterial calcification, generalized, of infancy, 2; Pseudoxanthoma elasticum, forme fruste. Review status: criteria provided, single submitter. Criteria: ACMG Guidelines, 2015. Collection method: clinical testing. Allele origin: germline. Affected: yes.
Comment: Absent from controls (or at extremely low frequency if recessive) in Genome Aggregation Database.;Null variant in a gene where loss of function (LOF) is a known mechanism of disease.;For recessive disorders, detected in trans with a pathogenic variant.

PreventionGenetics, part of Exact Sciences
Classification: Pathogenic for ABCC6-related condition. Last evaluated: 2024-04-05. Review status: no assertion criteria provided. Collection method: clinical testing. Allele origin: germline. Not counted in ClinVar's aggregate classification.
Comment: The ABCC6 c.3490C>T variant is predicted to result in premature protein termination (p.Arg1164*). This variant has been reported to be causative for autosomal recessive pseudoxanthoma elasticum (PXE; Struk et al. 2000. PubMed ID: 10954200; Meloni et al. 2001. PubMed ID: 11439001; Boraldi et al. 2021. PubMed ID: 34205333; Table S1, Saeidian et al. 2022. PubMed ID: 34906475). This variant has also been reported in an individual with acute aortic dissection (Table 1, Zheng et al. 2018. PubMed ID: 30056620). This variant is reported in 0.065% of alleles in individuals of East Asian descent in gnomAD. Nonsense variants in ABCC6 are expected to be pathogenic. This variant is interpreted as pathogenic.

PXE International
Classification: Pathogenic for Autosomal recessive inherited pseudoxanthoma elasticum. Last evaluated: 2021-03-01. Review status: no assertion criteria provided. Collection method: research. Allele origin: germline. Inheritance: Autosomal recessive inheritance. Affected: yes. Observed: 25 variant alleles. Clinical features observed: Papule (HP:0200034), Retinal hemorrhage (HP:0000573), Prostate cancer (HP:0012125), Angioid streaks (HP:0001102), Intermittent claudication (HP:0004417), Myocardial infarction (HP:0001658), Skin plaque (HP:0200035), Abnormally lax or hyperextensible skin (HP:0008067), Vascular surgery, Angina pectoris (HP:0001681), Abnormal EKG (HP:0003115), Gastrointestinal hemorrhage (HP:0002239), and 1 more. Not counted in ClinVar's aggregate classification.

OMIM
Classification: Pathogenic for PSEUDOXANTHOMA ELASTICUM. Last evaluated: 2001-03-01. Review status: no assertion criteria provided. Collection method: literature only. Allele origin: germline. Not counted in ClinVar's aggregate classification.

Literature cited by the submitters: PubMed 11536079 (cited by Labcorp Genetics (formerly Invitae), Labcorp); PubMed 17617515 (cited by Labcorp Genetics (formerly Invitae), Labcorp); PubMed 11179012 (cited by Labcorp Genetics (formerly Invitae), Labcorp and OMIM); PubMed 11439001 (cited by Labcorp Genetics (formerly Invitae), Labcorp and Laboratory for Molecular Medicine, Mass General Brigham Personalized Medicine); PubMed 34906475 (cited by Variantyx, Inc.); PubMed 34205333 (cited by Variantyx, Inc.); PubMed 10954200 (cited by Laboratory for Molecular Medicine, Mass General Brigham Personalized Medicine); PubMed 15086542 (cited by Laboratory for Molecular Medicine, Mass General Brigham Personalized Medicine); PubMed 15894595 (cited by PXE International).